The following is an entry in ClinVar:

NM_024301.5(FKRP):c.968G>A (p.Arg323His)

Gene: FKRP (fukutin related protein; plus strand). Cytogenetic location: 19q13.32.
Variant type: single nucleotide variant.
Coding change: c.968G>A on transcript NM_024301.5 (MANE Select); coding-DNA position 968, G replaced by A.
Protein change: p.Arg323His; replaces arginine 323 with histidine.
Molecular consequence: missense variant.
Genome position (GRCh38, 1-based): chr19:46,756,418, G>A. VCF-style: chr19-46756418-G-A. GRCh37 (hg19) VCF-style: chr19-47259675-G-A.
Other names: c.968G>A, p.Arg323His (NM_001039885.3); short protein forms R323H.
Identifiers: ClinVar variation 528824 (VCV000528824.16), dbSNP rs1349031936, ClinGen allele CA406496378.

ClinVar aggregate classification (germline): Conflicting classifications of pathogenicity. Review status: criteria provided, conflicting classifications (1 of 4 stars). 6 submissions from 5 submitters: Pathogenic (1); Likely pathogenic (2); Uncertain significance (2). 1 of the submissions does not count toward it. Last evaluated 2025-10-31.

Conditions:
Muscular dystrophy-dystroglycanopathy type B5 (MDDGB5). Also called: MUSCULAR DYSTROPHY-DYSTROGLYCANOPATHY (CONGENITAL WITH OR WITHOUT IMPAIRED INTELLECTUAL DEVELOPMENT), TYPE B, 5; MUSCULAR DYSTROPHY, CONGENITAL, 1C; MUSCULAR DYSTROPHY, CONGENITAL, FKRP-RELATED. Identifiers: MedGen C1847759, MONDO:0011688, OMIM 606612.
Walker-Warburg congenital muscular dystrophy. Also called: Muscular dystrophy-dystroglycanopathy, type A; Walker-Warburg syndrome. Identifiers: Orphanet 899, MedGen C0265221, MONDO:0000171.
Muscular dystrophy-dystroglycanopathy (congenital with brain and eye anomalies), type A5. Also called: WALKER-WARBURG SYNDROME OR MUSCLE-EYE-BRAIN DISEASE, FKRP-RELATED; MUSCULAR DYSTROPHY-DYSTROGLYCANOPATHY (CONGENITAL WITH BRAIN AND EYE ANOMALIES), TYPE A, 5. Identifiers: Orphanet 588, Orphanet 899, MedGen C3150413, MONDO:0013157, OMIM 613153.
Autosomal recessive limb-girdle muscular dystrophy type 2I. Also called: MUSCULAR DYSTROPHY-DYSTROGLYCANOPATHY (LIMB-GIRDLE), TYPE C, 5; MUSCULAR DYSTROPHY, LIMB-GIRDLE, TYPE 2I; MUSCULAR DYSTROPHY-DYSTROGLYCANOPATHY, LIMB-GIRDLE, FRKP-RELATED. Identifiers: Orphanet 34515, MedGen C1846672, MONDO:0011787, OMIM 607155.

Allele frequency attached by ClinVar (database versions not stated): TOPMed below 0.00001; gnomAD 0.00001.

Submissions (6):

3billion
Classification: Likely pathogenic for Muscular dystrophy-dystroglycanopathy type B5. Last evaluated: 2025-10-31. Review status: criteria provided, single submitter. Criteria: ACMG Guidelines, 2015. Collection method: clinical testing. Allele origin: germline. Affected: yes.
Comment: The variant is observed at an extremely low frequency in the gnomAD v4.1.0 dataset (total allele frequency: <0.001%). Predicted Consequence/Location: Missense variant In silico tool predictions suggest damaging effect of the variant on gene or gene product [REVEL: 0.86 (>=0.6, sensitivity 0.68 and specificity 0.92); 3Cnet: 0.99 (> 0.75, sensitivity 0.96 and precision 0.92)]. The same nucleotide change resulting in the same amino acid change has been previously reported to be associated with FKRP-related disorder (ClinVar ID: VCV000528824 /PMID: 16368217).The variant has been reported to be in trans with a pathogenic variant as either compound heterozygous or homozygous in at least one similarly affected unrelated individual (PMID: 16368217, 32864802). Therefore, this variant is classified as Likely pathogenic according to the recommendation of ACMG/AMP guideline.

Labcorp Genetics (formerly Invitae), Labcorp
Classification: Pathogenic for Walker-Warburg congenital muscular dystrophy. Last evaluated: 2023-07-17. Review status: criteria provided, single submitter. Criteria: Invitae Variant Classification Sherloc (09022015). Collection method: clinical testing. Allele origin: germline.
Comment: For these reasons, this variant has been classified as Pathogenic. Advanced modeling of protein sequence and biophysical properties (such as structural, functional, and spatial information, amino acid conservation, physicochemical variation, residue mobility, and thermodynamic stability) performed at Invitae indicates that this missense variant is expected to disrupt FKRP protein function. ClinVar contains an entry for this variant (Variation ID: 528824). This missense change has been observed in individuals with FKRP-related conditions (PMID: 16368217, 32864802). It has also been observed to segregate with disease in related individuals. This variant is not present in population databases (gnomAD no frequency). This sequence change replaces arginine, which is basic and polar, with histidine, which is basic and polar, at codon 323 of the FKRP protein (p.Arg323His).

MGZ Medical Genetics Center
Classification: Likely pathogenic for Autosomal recessive limb-girdle muscular dystrophy type 2I. Last evaluated: 2022-08-29. Review status: criteria provided, single submitter. Criteria: ACMG Guidelines, 2015. Collection method: clinical testing. Allele origin: germline. Affected: yes. Observed: 1 variant allele.
Comment: ACMG criteria applied: PS4_MOD, PM3, PM2_SUP, PP1, PP3

Genomic Research Center, Shahid Beheshti University of Medical Sciences
Classification: Uncertain significance for Muscular dystrophy-dystroglycanopathy type B5. Last evaluated: 2018-03-05. Review status: criteria provided, single submitter. Criteria: ACMG Guidelines, 2015. Collection method: clinical testing. Allele origin: inherited. Affected: yes. Observed: 1 variant allele.

Genomic Research Center, Shahid Beheshti University of Medical Sciences
Classification: Uncertain significance for Autosomal recessive limb-girdle muscular dystrophy type 2I. Last evaluated: 2018-03-05. Review status: criteria provided, single submitter. Criteria: ACMG Guidelines, 2015. Collection method: clinical testing. Allele origin: inherited. Affected: yes. Observed: 1 variant allele.

Myelin Disorders Clinic-Children's Medical Center/Medical Genetics Lab-Tarbiat Modares University, Children's Medical Center, Pediatrics Center of Excellence,
Classification: Uncertain significance for Muscular dystrophy-dystroglycanopathy (congenital with brain and eye anomalies), type A5; Muscular dystrophy-dystroglycanopathy type B5; Autosomal recessive limb-girdle muscular dystrophy type 2I. Review status: no assertion criteria provided. Collection method: clinical testing. Allele origin: inherited. Inheritance: Autosomal recessive inheritance. Affected: yes. Not counted in ClinVar's aggregate classification.

Literature cited by the submitters: PubMed 32864802 (cited by 3billion and Labcorp Genetics (formerly Invitae), Labcorp); PubMed 16368217 (cited by 3billion and Labcorp Genetics (formerly Invitae), Labcorp).